The following is an entry in ClinVar:

ClinVar aggregate classification (germline): Uncertain significance (1 of 4 stars; one submission).

Allele frequency attached by ClinVar (database versions not stated): gnomAD exomes below 0.00001.

Submission:

Labcorp Genetics (formerly Invitae), Labcorp
Classification: Uncertain significance. Last evaluated: 2024-10-08. Review status: criteria provided, single submitter. Criteria: Invitae Variant Classification Sherloc (09022015). Collection method: clinical testing. Allele origin: germline.
Comment: This sequence change replaces glycine, which is neutral and non-polar, with glutamic acid, which is acidic and polar, at codon 126 of the LBR protein (p.Gly126Glu). This variant is present in population databases (no rsID available, gnomAD 0.003%). This variant has not been reported in the literature in individuals affected with LBR-related conditions. ClinVar contains an entry for this variant (Variation ID: 2011976). Invitae Evidence Modeling of protein sequence and biophysical properties (such as structural, functional, and spatial information, amino acid conservation, physicochemical variation, residue mobility, and thermodynamic stability) indicates that this missense variant is not expected to disrupt LBR protein function with a negative predictive value of 95%. In summary, the available evidence is currently insufficient to determine the role of this variant in disease. Therefore, it has been classified as a Variant of Uncertain Significance.

NM_002296.4(LBR):c.377G>A (p.Gly126Glu)

Gene: LBR (lamin B receptor; minus strand). Cytogenetic location: 1q42.12.
Variant type: single nucleotide variant.
Coding change: c.377G>A on transcript NM_002296.4 (MANE Select); coding-DNA position 377, G replaced by A.
Protein change: p.Gly126Glu; replaces glycine 126 with glutamic acid.
Molecular consequence: missense variant.
Genome position (GRCh38, 1-based): chr1:225,419,788, C>T on the plus strand (G>A on the coding strand, the complement: LBR is on the minus strand). VCF-style: chr1-225419788-C-T. GRCh37 (hg19) VCF-style: chr1-225607490-C-T.
Other names: c.377G>A, p.Gly126Glu (NM_194442.3); short protein forms G126E.
Identifiers: ClinVar variation 2011976 (VCV002011976.4), dbSNP rs1375201039, ClinGen allele CA345000694.